The following is an entry in ClinVar:

NM_001077653.2(TBX20):c.1056TTC[1] (p.Ser355del)

Gene: TBX20 (T-box transcription factor 20; minus strand). Cytogenetic location: 7p14.2.
Variant type: Microsatellite.
Coding change: c.1056TTC[1] on transcript NM_001077653.2 (MANE Select); one copy of the 3-base unit TTC starting at c.1056; the reference has two copies in a row; one copy, 3 bases deleted.
Protein change: p.Ser355del; deletes serine 355.
Molecular consequence: inframe deletion.
Genome position (GRCh38, 1-based): chr7:35,202,713-35,202,715, GAA deleted on the plus strand (TTC on the coding strand, the reverse complement: TBX20 is on the minus strand); deleting any 3 consecutive bases within chr7:35,202,713-35,202,720 gives the same sequence; the position shown is the placement nearest the transcript's 3' end. VCF-style (leftmost placement, unchanged base first): chr7-35202712-GGAA-G. GRCh37 (hg19) VCF-style: chr7-35242324-GGAA-G.
Other names: c.1059_1061delTTC (NM_001077653.2); short protein forms S355del.
Identifiers: ClinVar variation 422993 (VCV000422993.2), dbSNP rs1064796147, ClinGen allele CA16618456.

ClinVar aggregate classification (germline): Uncertain significance (1 of 4 stars; one submission).

Submission:

GeneDx
Classification: Uncertain significance. Last evaluated: 2016-12-27. Review status: criteria provided, single submitter. Criteria: GeneDx Variant Classification (06012015). Collection method: clinical testing. Allele origin: germline. Affected: yes.
Comment: The c.1059_1061delTTC variant in the TBX20 gene has not been reported previously as a pathogenic variant, nor as a benign variant, to our knowledge. The c.1059_1061delTTC variant causes an in-frame deletion of one amino acid, Serine 355, denoted p.Ser355del. This amino acid deletion occurs at a position that is not conserved. The c.1059_1061delTTC variant was not observed in approximately 5,900 individuals of European and African American ancestry in the NHLBI Exome Sequencing Project, indicating it is not a common benign variant in these populations. We interpret c.1059_1061delTTC as a variant of uncertain significance.